The following is an entry in ClinVar:

ClinVar aggregate classification (germline): Uncertain significance (1 of 4 stars; one submission).

Submission:

GeneDx
Classification: Uncertain significance. Last evaluated: 2025-02-12. Review status: criteria provided, single submitter. Criteria: GeneDx Variant Classification Process June 2021. Collection method: clinical testing. Allele origin: germline. Affected: yes.
Comment: Not observed at significant frequency in large population cohorts (gnomAD); In silico analysis supports that this missense variant has a deleterious effect on protein structure/function; Has not been previously published as pathogenic or benign to our knowledge

NM_000062.3(SERPING1):c.896G>C (p.Trp299Ser)

Gene: SERPING1 (serpin family G member 1; plus strand). Cytogenetic location: 11q12.1.
Variant type: single nucleotide variant.
Coding change: c.896G>C on transcript NM_000062.3 (MANE Select); coding-DNA position 896, G replaced by C.
Protein change: p.Trp299Ser; replaces tryptophan 299 with serine.
Molecular consequence: missense variant.
Genome position (GRCh38, 1-based): chr11:57,606,414, G>C. VCF-style: chr11-57606414-G-C. GRCh37 (hg19) VCF-style: chr11-57373887-G-C.
Other names: c.896G>C, p.Trp299Ser (NM_001032295.2); short protein forms W299S.
Identifiers: ClinVar variation 4075469 (VCV004075469.1).
Genomic context (GRCh38, chr11:57,606,414, plus strand): 5'-TCTTCATCCTTTTCCTACCTGCATTAGAGCAACCCTCCCACCTCTTCCCTCTAGCCAAGT[G>C]GAAGACAACATTTGATCCCAAGAAAACCAGAATGGAACCCTTTCACTTCAAAAACTCAGT-3'
Protein context (NP_000053.2, residues 289-309): LLNAIYLSAK[Trp299Ser]KTTFDPKKTR